The following is an entry in ClinVar:

ClinVar aggregate classification (germline): Uncertain significance (1 of 4 stars; one submission).

Conditions:
Long QT syndrome (LQTS). Identifiers: MedGen C0023976, MeSH D008133, MONDO:0002442. Disease mechanism: loss of function. Inheritance: Various modes of inheritance.

Allele frequency attached by ClinVar (database versions not stated): gnomAD exomes below 0.00001.
gnomAD v4.1: 1 of 1,576,444 alleles (0.000063%); highest among the groups gnomAD compares: Non-Finnish European, 0.000086%; no homozygotes.

Submission:

Labcorp Genetics (formerly Invitae), Labcorp
Classification: Uncertain significance for Long QT syndrome. Last evaluated: 2024-01-23. Review status: criteria provided, single submitter. Criteria: Invitae Variant Classification Sherloc (09022015). Collection method: clinical testing. Allele origin: germline.
Comment: This sequence change replaces aspartic acid, which is acidic and polar, with glutamic acid, which is acidic and polar, at codon 649 of the KCNQ1 protein (p.Asp649Glu). The frequency data for this variant in the population databases is considered unreliable, as metrics indicate poor data quality at this position in the gnomAD database. This variant has not been reported in the literature in individuals affected with KCNQ1-related conditions. Advanced modeling of protein sequence and biophysical properties (such as structural, functional, and spatial information, amino acid conservation, physicochemical variation, residue mobility, and thermodynamic stability) performed at Invitae indicates that this missense variant is not expected to disrupt KCNQ1 protein function with a negative predictive value of 95%. In summary, the available evidence is currently insufficient to determine the role of this variant in disease. Therefore, it has been classified as a Variant of Uncertain Significance.

NM_000218.3(KCNQ1):c.1947C>A (p.Asp649Glu)

Genes: KCNQ1 (potassium voltage-gated channel subfamily Q member 1; plus strand), KCNQ1-AS1 (KCNQ1 antisense RNA 1; minus strand). Cytogenetic location: 11p15.4.
Variant type: single nucleotide variant.
Coding change: c.1947C>A on transcript NM_000218.3 (MANE Select); coding-DNA position 1947, C replaced by A.
Protein change: p.Asp649Glu; replaces aspartic acid 649 with glutamic acid.
Molecular consequence: missense variant.
Genome position (GRCh38, 1-based): chr11:2,847,919, C>A. VCF-style: chr11-2847919-C-A. GRCh37 (hg19) VCF-style: chr11-2869149-C-A.
Other names: c.1851C>A, p.Asp617Glu (NM_001406836.1); c.1677C>A, p.Asp559Glu (NM_001406837.1); c.1566C>A, p.Asp522Glu (NM_181798.2); c.1407C>A, p.Asp469Glu (NM_001406838.1); c.459C>A, p.Asp153Glu (NM_001406839.1); short protein forms D559E, D617E, D469E, D153E, D522E, D649E.
Identifiers: ClinVar variation 3020845 (VCV003020845.3), dbSNP rs1318931934, ClinGen allele CA379140485.